The following is an entry in ClinVar:

ClinVar aggregate classification (germline): Uncertain significance (1 of 4 stars; one submission).

Allele frequency attached by ClinVar (database versions not stated): gnomAD exomes below 0.00001.
gnomAD v4.1: 3 of 1,614,084 alleles (0.00019%); highest among the groups gnomAD compares: Non-Finnish European, 0.000085%; no homozygotes.

Submission:

Labcorp Genetics (formerly Invitae), Labcorp
Classification: Uncertain significance. Last evaluated: 2024-05-15. Review status: criteria provided, single submitter. Criteria: Invitae Variant Classification Sherloc (09022015). Collection method: clinical testing. Allele origin: germline.
Comment: This sequence change replaces glutamic acid, which is acidic and polar, with lysine, which is basic and polar, at codon 297 of the BACH2 protein (p.Glu297Lys). This variant is not present in population databases (gnomAD no frequency). This variant has not been reported in the literature in individuals affected with BACH2-related conditions. ClinVar contains an entry for this variant (Variation ID: 1484022). Advanced modeling of protein sequence and biophysical properties (such as structural, functional, and spatial information, amino acid conservation, physicochemical variation, residue mobility, and thermodynamic stability) performed at Invitae indicates that this missense variant is not expected to disrupt BACH2 protein function with a negative predictive value of 80%. In summary, the available evidence is currently insufficient to determine the role of this variant in disease. Therefore, it has been classified as a Variant of Uncertain Significance.

NM_021813.4(BACH2):c.889G>A (p.Glu297Lys)

Gene: BACH2 (BACH transcriptional regulator 2; minus strand). Cytogenetic location: 6q15.
Variant type: single nucleotide variant.
Coding change: c.889G>A on transcript NM_021813.4 (MANE Select); coding-DNA position 889, G replaced by A.
Protein change: p.Glu297Lys; replaces glutamic acid 297 with lysine.
Molecular consequence: missense variant.
Genome position (GRCh38, 1-based): chr6:89,951,217, C>T on the plus strand (G>A on the coding strand, the complement: BACH2 is on the minus strand). VCF-style: chr6-89951217-C-T. GRCh37 (hg19) VCF-style: chr6-90660936-C-T.
Other names: c.889G>A, p.Glu297Lys (NM_001170794.2); short protein forms E297K.
Identifiers: ClinVar variation 1484022 (VCV001484022.8), dbSNP rs2128356953, ClinGen allele CA365072007.